The following is an entry in ClinVar:

ClinVar aggregate classification (germline): Uncertain significance. Review status: criteria provided, multiple submitters, no conflicts (2 of 4 stars). 3 submissions from 3 submitters: Uncertain significance (3). Last evaluated 2024-08-21.

Conditions:
Inborn genetic diseases. Identifiers: MedGen C0950123, MeSH D030342.
Joubert syndrome. Also called: CEREBELLOPARENCHYMAL DISORDER IV; JOUBERT-BOLTSHAUSER SYNDROME; Familial aplasia of the vermis. Identifiers: Orphanet 475, MedGen C5979921, MONDO:0018772.
Meckel-Gruber syndrome. Also called: DYSENCEPHALIA SPLANCHNOCYSTICA; GRUBER SYNDROME; Dysencephalia splachnocystica. Identifiers: Orphanet 564, MedGen C0265215, MONDO:0018921.
Bardet-Biedl syndrome 14 (BBS14). Identifiers: Orphanet 110, MedGen C2673874, MONDO:0014442, OMIM 615991.
Joubert syndrome 6 (JBTS6). Identifiers: Orphanet 475, MedGen C1853153, MONDO:0012539, OMIM 610688.
RHYNS syndrome. Also called: RETINITIS PIGMENTOSA SYNDROME; RETINITIS PIGMENTOSA, HYPOPITUITARISM, NEPHRONOPHTHISIS, AND MILD SKELETAL DYSPLASIA. Identifiers: Orphanet 140976, MedGen C1865794, MONDO:0011202, OMIM 602152.
Meckel syndrome, type 3 (MKS3). Also called: MECKEL-GRUBER SYNDROME, TYPE 3. Identifiers: Orphanet 564, MedGen C1846357, MONDO:0011821, OMIM 607361.
COACH syndrome 1. Identifiers: Orphanet 1454, MedGen C5435651, MONDO:0800103, OMIM 216360, MONDO:0008996.
Nephronophthisis 11 (NPHP11). Identifiers: Orphanet 84081, MedGen C3150796, MONDO:0013302, OMIM 613550.

Allele frequency attached by ClinVar (database versions not stated): gnomAD exomes below 0.00001 and 0.00001; ExAC 0.00001; gnomAD 0.00001; TOPMed 0.00001.
gnomAD v4.1: 15 of 1,588,786 alleles (0.00094%); highest among the groups gnomAD compares: Non-Finnish European, 0.0013%; no homozygotes.

Submissions (3):

Ambry Genetics
Classification: Uncertain significance for Inborn genetic diseases. Last evaluated: 2024-08-21. Review status: criteria provided, single submitter. Criteria: Ambry Variant Classification Scheme 2023. Collection method: clinical testing. Allele origin: germline.

Labcorp Genetics (formerly Invitae), Labcorp
Classification: Uncertain significance for Joubert syndrome; Meckel-Gruber syndrome. Last evaluated: 2022-06-20. Review status: criteria provided, single submitter. Criteria: Invitae Variant Classification Sherloc (09022015). Collection method: clinical testing. Allele origin: germline.
Comment: This sequence change replaces leucine, which is neutral and non-polar, with valine, which is neutral and non-polar, at codon 779 of the TMEM67 protein (p.Leu779Val). This variant is present in population databases (rs762351497, gnomAD 0.0009%). This variant has not been reported in the literature in individuals affected with TMEM67-related conditions. Advanced modeling of protein sequence and biophysical properties (such as structural, functional, and spatial information, amino acid conservation, physicochemical variation, residue mobility, and thermodynamic stability) performed at Invitae indicates that this missense variant is not expected to disrupt TMEM67 protein function. In summary, the available evidence is currently insufficient to determine the role of this variant in disease. Therefore, it has been classified as a Variant of Uncertain Significance.

Fulgent Genetics
Classification: Uncertain significance for COACH syndrome 1; RHYNS syndrome; Meckel syndrome, type 3; Joubert syndrome 6; Nephronophthisis 11; Bardet-Biedl syndrome 14. Last evaluated: 2022-02-24. Review status: criteria provided, single submitter. Criteria: ACMG Guidelines, 2015. Collection method: clinical testing. Allele origin: unknown.

NM_153704.6(TMEM67):c.2335C>G (p.Leu779Val)

Gene: TMEM67 (transmembrane protein 67; plus strand). Cytogenetic location: 8q22.1.
Variant type: single nucleotide variant.
Coding change: c.2335C>G on transcript NM_153704.6 (MANE Select); coding-DNA position 2335, C replaced by G.
Protein change: p.Leu779Val; replaces leucine 779 with valine.
Molecular consequence: missense variant. On other transcripts: non-coding transcript variant (1).
Genome position (GRCh38, 1-based): chr8:93,804,774, C>G. VCF-style: chr8-93804774-C-G. GRCh37 (hg19) VCF-style: chr8-94817002-C-G.
Other names: c.2335C>G (NM_153704.5); c.2092C>G, p.Leu698Val (NM_001142301.1); short protein forms L698V, L779V.
Identifiers: ClinVar variation 1436831 (VCV001436831.5), dbSNP rs762351497, ClinGen allele CA4808283.